The following is an entry in ClinVar:

ClinVar aggregate classification (germline): Uncertain significance (1 of 4 stars; one submission).

Allele frequency attached by ClinVar (database versions not stated): gnomAD exomes below 0.00001.
gnomAD v4.1: 1 of 1,613,874 alleles (0.000062%); highest among the groups gnomAD compares: Non-Finnish European, 0.000085%; no homozygotes.

Submission:

Labcorp Genetics (formerly Invitae), Labcorp
Classification: Uncertain significance. Last evaluated: 2023-04-20. Review status: criteria provided, single submitter. Criteria: Invitae Variant Classification Sherloc (09022015). Collection method: clinical testing. Allele origin: germline.
Comment: An algorithm developed to predict the effect of missense changes on protein structure and function (PolyPhen-2) suggests that this variant is likely to be tolerated. This variant has not been reported in the literature in individuals affected with DNAJC21-related conditions. This variant is not present in population databases (gnomAD no frequency). This sequence change replaces aspartic acid, which is acidic and polar, with glutamic acid, which is acidic and polar, at codon 368 of the DNAJC21 protein (p.Asp368Glu). In summary, the available evidence is currently insufficient to determine the role of this variant in disease. Therefore, it has been classified as a Variant of Uncertain Significance.

NM_001012339.3(DNAJC21):c.1104C>A (p.Asp368Glu)

Gene: DNAJC21 (DnaJ heat shock protein family (Hsp40) member C21; plus strand). Cytogenetic location: 5p13.2.
Variant type: single nucleotide variant.
Coding change: c.1104C>A on transcript NM_001012339.3 (MANE Select); coding-DNA position 1104, C replaced by A.
Protein change: p.Asp368Glu; replaces aspartic acid 368 with glutamic acid.
Molecular consequence: missense variant.
Genome position (GRCh38, 1-based): chr5:34,944,987, C>A. VCF-style: chr5-34944987-C-A. GRCh37 (hg19) VCF-style: chr5-34945092-C-A.
Other names: c.1104C>A, p.Asp368Glu (NM_001348420.2, NM_194283.4); short protein forms D368E.
Identifiers: ClinVar variation 2783979 (VCV002783979.3), dbSNP rs1765125516, ClinGen allele CA359418860.